The following is an entry in ClinVar:

NM_004519.4(KCNQ3):c.2415T>A (p.Ser805Arg)

Gene: KCNQ3 (potassium voltage-gated channel subfamily Q member 3; minus strand). Cytogenetic location: 8q24.22.
Variant type: single nucleotide variant.
Coding change: c.2415T>A on transcript NM_004519.4 (MANE Select); coding-DNA position 2415, T replaced by A.
Protein change: p.Ser805Arg; replaces serine 805 with arginine.
Molecular consequence: missense variant.
Genome position (GRCh38, 1-based): chr8:132,129,466, A>T on the plus strand (T>A on the coding strand, the complement: KCNQ3 is on the minus strand). VCF-style: chr8-132129466-A-T. GRCh37 (hg19) VCF-style: chr8-133141713-A-T.
Other names: c.2055T>A, p.Ser685Arg (NM_001204824.2); short protein forms S685R, S805R.
Identifiers: ClinVar variation 5037176 (VCV005037176.1).

ClinVar aggregate classification (germline): Uncertain significance (1 of 4 stars; one submission).

Submission:

GeneDx
Classification: Uncertain significance. Last evaluated: 2026-04-16. Review status: criteria provided, single submitter. Criteria: GeneDx Variant Classification Process June 2021. Collection method: clinical testing. Allele origin: germline.
Comment: Not observed at significant frequency in large population cohorts (gnomAD); In silico analysis supports that this missense variant has a deleterious effect on protein structure/function; Has not been previously published as pathogenic or benign to our knowledge